The following is an entry in ClinVar:

NM_020975.6(RET):c.132G>C (p.Gln44His)

Gene: RET (ret proto-oncogene; plus strand). Cytogenetic location: 10q11.21.
Variant type: single nucleotide variant.
Coding change: c.132G>C on transcript NM_020975.6 (MANE Select); coding-DNA position 132, G replaced by C.
Protein change: p.Gln44His; replaces glutamine 44 with histidine.
Molecular consequence: missense variant.
Genome position (GRCh38, 1-based): chr10:43,100,517, G>C. VCF-style: chr10-43100517-G-C. GRCh37 (hg19) VCF-style: chr10-43595965-G-C.
Other names: c.132G>C, p.Gln44His (NM_000323.2, NM_001406743.1, NM_001406744.1 and 34 more transcripts); short protein forms Q44H.
Identifiers: ClinVar variation 1524310 (VCV001524310.10), dbSNP rs2132658453, ClinGen allele CA376770164.

ClinVar aggregate classification (germline): Uncertain significance. Review status: criteria provided, multiple submitters, no conflicts (2 of 4 stars). 2 submissions from 2 submitters: Uncertain significance (2). Last evaluated 2024-02-21.

Conditions:
Hereditary cancer-predisposing syndrome. Also called: Neoplastic Syndromes, Hereditary; Hereditary Cancer Syndrome; Tumor predisposition; Hereditary neoplastic syndrome. Identifiers: Orphanet 140162, MedGen C0027672, MeSH D009386, MONDO:0015356.
Multiple endocrine neoplasia, type 2 (MEN2). Identifiers: Orphanet 653, MedGen C4048306, MONDO:0019003. Disease mechanism: gain of function.

Submissions (2):

Ambry Genetics
Classification: Uncertain significance for Hereditary cancer-predisposing syndrome. Last evaluated: 2024-02-21. Review status: criteria provided, single submitter. Criteria: Ambry Variant Classification Scheme 2023. Collection method: clinical testing. Allele origin: germline.
Comment: The p.Q44H variant (also known as c.132G>C), located in coding exon 2 of the RET gene, results from a G to C substitution at nucleotide position 132. The glutamine at codon 44 is replaced by histidine, an amino acid with highly similar properties. This amino acid position is well conserved in available vertebrate species. In addition, the in silico prediction for this alteration is inconclusive. Based on the available evidence, the clinical significance of this alteration remains unclear.

Labcorp Genetics (formerly Invitae), Labcorp
Classification: Uncertain significance for Multiple endocrine neoplasia, type 2. Last evaluated: 2023-01-14. Review status: criteria provided, single submitter. Criteria: Invitae Variant Classification Sherloc (09022015). Collection method: clinical testing. Allele origin: germline.
Comment: In summary, the available evidence is currently insufficient to determine the role of this variant in disease. Therefore, it has been classified as a Variant of Uncertain Significance. Algorithms developed to predict the effect of missense changes on protein structure and function are either unavailable or do not agree on the potential impact of this missense change (SIFT: "Deleterious"; PolyPhen-2: "Possibly Damaging"; Align-GVGD: "Class C0"). ClinVar contains an entry for this variant (Variation ID: 1524310). This variant has not been reported in the literature in individuals affected with RET-related conditions. This variant is not present in population databases (gnomAD no frequency). This sequence change replaces glutamine, which is neutral and polar, with histidine, which is basic and polar, at codon 44 of the RET protein (p.Gln44His).